The following is an entry in ClinVar:

NM_004304.5(ALK):c.1351C>G (p.Leu451Val)

Gene: ALK (ALK receptor tyrosine kinase; minus strand). Cytogenetic location: 2p23.2.
Variant type: single nucleotide variant.
Coding change: c.1351C>G on transcript NM_004304.5 (MANE Select); coding-DNA position 1351, C replaced by G.
Protein change: p.Leu451Val; replaces leucine 451 with valine.
Molecular consequence: missense variant.
Genome position (GRCh38, 1-based): chr2:29,328,413, G>C on the plus strand (C>G on the coding strand, the complement: ALK is on the minus strand). VCF-style: chr2-29328413-G-C. GRCh37 (hg19) VCF-style: chr2-29551279-G-C.
Other names: c.1351C>G (NM_004304.4); short protein forms L451V.
Identifiers: ClinVar variation 1037762 (VCV001037762.11), dbSNP rs199970780, ClinGen allele CA1594680.

ClinVar aggregate classification (germline): Uncertain significance. Review status: criteria provided, multiple submitters, no conflicts (2 of 4 stars). 3 submissions from 3 submitters: Uncertain significance (3). Last evaluated 2025-12-08.

Conditions:
Neuroblastoma, susceptibility to, 3. Also called: ALK-Related Neuroblastic Tumor Susceptibility. Identifiers: Orphanet 635, MedGen C2751681, MONDO:0013083, OMIM 613014.
Hereditary cancer-predisposing syndrome. Also called: Neoplastic Syndromes, Hereditary; Hereditary Cancer Syndrome; Tumor predisposition; Hereditary neoplastic syndrome. Identifiers: Orphanet 140162, MedGen C0027672, MeSH D009386, MONDO:0015356.

Allele frequency attached by ClinVar (database versions not stated): gnomAD exomes below 0.00001; ExAC 0.00001; gnomAD 0.00001; 1000 Genomes Project 30x 0.00016; 1000 Genomes Project 0.00020.

Submissions (3):

Labcorp Genetics (formerly Invitae), Labcorp
Classification: Uncertain significance for Neuroblastoma, susceptibility to, 3. Last evaluated: 2025-12-08. Review status: criteria provided, single submitter. Criteria: Invitae Variant Classification Sherloc (09022015). Collection method: clinical testing. Allele origin: germline.
Comment: This sequence change replaces leucine, which is neutral and non-polar, with valine, which is neutral and non-polar, at codon 451 of the ALK protein (p.Leu451Val). This variant is present in population databases (rs199970780, gnomAD 0.0009%). This variant has not been reported in the literature in individuals affected with ALK-related conditions. ClinVar contains an entry for this variant (Variation ID: 1037762). An algorithm developed to predict the effect of missense changes on protein structure and function (PolyPhen-2) suggests that this variant is likely to be disruptive. In summary, the available evidence is currently insufficient to determine the role of this variant in disease. Therefore, it has been classified as a Variant of Uncertain Significance.

Ambry Genetics
Classification: Uncertain significance for Hereditary cancer-predisposing syndrome. Last evaluated: 2025-01-22. Review status: criteria provided, single submitter. Criteria: Ambry Variant Classification Scheme 2023. Collection method: clinical testing. Allele origin: germline.
Comment: The p.L451V variant (also known as c.1351C>G), located in coding exon 6 of the ALK gene, results from a C to G substitution at nucleotide position 1351. The leucine at codon 451 is replaced by valine, an amino acid with highly similar properties. This amino acid position is conserved. In addition, the in silico prediction for this alteration is inconclusive. Based on the available evidence, the clinical significance of this variant remains unclear.

Baylor Genetics
Classification: Uncertain significance for Neuroblastoma, susceptibility to, 3. Last evaluated: 2024-01-30. Review status: criteria provided, single submitter. Criteria: ACMG Guidelines, 2015. Collection method: clinical testing. Allele origin: unknown.